The following is an entry in ClinVar:

NM_000170.3(GLDC):c.1636del (p.Ile546fs)

Gene: GLDC (glycine decarboxylase; minus strand). Cytogenetic location: 9p24.1.
Variant type: Deletion.
Coding change: c.1636del on transcript NM_000170.3 (MANE Select); coding-DNA position 1636, one base deleted (A; older notation c.1636delA).
Protein change: p.Ile546fs; shifts the reading frame from isoleucine 546.
Molecular consequence: frameshift variant.
Genome position (GRCh38, 1-based): chr9:6,588,647, T deleted on the plus strand (A on the coding strand, the reverse complement: GLDC is on the minus strand). VCF-style (leftmost placement, unchanged base first): chr9-6588646-AT-A. GRCh37 (hg19) VCF-style: chr9-6588646-AT-A.
Other names: short protein forms I546fs.
Identifiers: ClinVar variation 959946 (VCV000959946.8), dbSNP rs1818316799, ClinGen allele CA1139660882.

ClinVar aggregate classification (germline): Pathogenic (1 of 4 stars; one submission).

Conditions:
Glycine encephalopathy. Also called: Nonketotic hyperglycinemia; Non-ketotic hyperglycinemia. Identifiers: Orphanet 407, MedGen C0751748, MONDO:0011612, HP:0008288.

Submission:

Labcorp Genetics (formerly Invitae), Labcorp
Classification: Pathogenic for Glycine encephalopathy. Last evaluated: 2019-08-03. Review status: criteria provided, single submitter. Criteria: Invitae Variant Classification Sherloc (09022015). Collection method: clinical testing. Allele origin: germline.
Comment: This sequence change creates a premature translational stop signal (p.Ile546Phefs*7) in the GLDC gene. It is expected to result in an absent or disrupted protein product. This variant is not present in population databases (ExAC no frequency). This variant has not been reported in the literature in individuals with GLDC-related conditions. Loss-of-function variants in GLDC are known to be pathogenic (PMID: 16601880). For these reasons, this variant has been classified as Pathogenic.

Literature cited by the submitters: PubMed 16601880.